The following is an entry in ClinVar:

ClinVar aggregate classification (germline): Uncertain significance. Review status: criteria provided, multiple submitters, no conflicts (2 of 4 stars). 2 submissions from 2 submitters: Uncertain significance (2). Last evaluated 2026-01-29.

Allele frequency attached by ClinVar (database versions not stated): gnomAD 0.00006; TOPMed 0.00005; ExAC 0.00002.
gnomAD v4.1: 78 of 1,612,876 alleles (0.0048%); highest among the groups gnomAD compares: Admixed American, 0.012%; no homozygotes.

Submissions (2):

Dasa
Classification: Uncertain significance. Last evaluated: 2026-01-29. Review status: criteria provided, single submitter. Criteria: DASA Assertion Criteria. Collection method: clinical testing. Allele origin: germline.
Comment: NM_000809.4(GABRA4):c.334G>A (p.Gly112Ser) is a missense variant that results in the substitution of glycine with serine. This variant is rare in population databases. Computational prediction algorithms are consistent with a deleterious effect. The currently available literature and clinical evidence are not sufficient to establish a definitive association between this variant and the reported condition. Therefore, this variant is classified as a variant of uncertain significance.

Ambry Genetics
Classification: Uncertain significance. Last evaluated: 2023-12-20. Review status: criteria provided, single submitter. Criteria: Ambry Variant Classification Scheme 2023. Collection method: clinical testing. Allele origin: germline.

NM_000809.4(GABRA4):c.334G>A (p.Gly112Ser)

Gene: GABRA4 (gamma-aminobutyric acid type A receptor subunit alpha4; minus strand). Cytogenetic location: 4p12.
Variant type: single nucleotide variant.
Coding change: c.334G>A on transcript NM_000809.4 (MANE Select); coding-DNA position 334, G replaced by A.
Protein change: p.Gly112Ser; replaces glycine 112 with serine.
Molecular consequence: missense variant.
Genome position (GRCh38, 1-based): chr4:46,977,570, C>T on the plus strand (G>A on the coding strand, the complement: GABRA4 is on the minus strand). VCF-style: chr4-46977570-C-T. GRCh37 (hg19) VCF-style: chr4-46979587-C-T.
Other names: c.277G>A, p.Gly93Ser (NM_001204266.2, NM_001204267.2); short protein forms G93S, G112S.
Identifiers: ClinVar variation 3097817 (VCV003097817.3), dbSNP rs762676686, ClinGen allele CA2907217.